The following is an entry in ClinVar:

ClinVar aggregate classification (germline): Uncertain significance (1 of 4 stars; one submission).

Submission:

GeneDx
Classification: Uncertain significance. Last evaluated: 2026-03-27. Review status: criteria provided, single submitter. Criteria: GeneDx Variant Classification Process June 2021. Collection method: clinical testing. Allele origin: germline.
Comment: Not observed at significant frequency in large population cohorts (gnomAD); In silico analysis suggests that this missense variant does not alter protein structure/function; Has not been previously published as pathogenic or benign to our knowledge

NM_001257291.2(SLC9A7):c.1978G>C (p.Gly660Arg)

Gene: SLC9A7 (solute carrier family 9 member A7; minus strand). Cytogenetic location: Xp11.3.
Variant type: single nucleotide variant.
Coding change: c.1978G>C on transcript NM_001257291.2 (MANE Select); coding-DNA position 1978, G replaced by C.
Protein change: p.Gly660Arg; replaces glycine 660 with arginine.
Molecular consequence: missense variant.
Genome position (GRCh38, 1-based): chrX:46,607,155, C>G on the plus strand (G>C on the coding strand, the complement: SLC9A7 is on the minus strand). VCF-style: chrX-46607155-C-G. GRCh37 (hg19) VCF-style: chrX-46466590-C-G.
Other names: c.1975G>C, p.Gly659Arg (NM_032591.3); short protein forms G659R, G660R.
Identifiers: ClinVar variation 5017757 (VCV005017757.1).